The following is an entry in ClinVar:

NM_001042750.2(STAG2):c.3343A>G (p.Met1115Val)

Gene: STAG2 (STAG2 cohesin complex component; plus strand). Cytogenetic location: Xq25.
Variant type: single nucleotide variant.
Coding change: c.3343A>G on transcript NM_001042750.2 (MANE Select); coding-DNA position 3343, A replaced by G.
Protein change: p.Met1115Val; replaces methionine 1115 with valine.
Molecular consequence: missense variant.
Genome position (GRCh38, 1-based): chrX:124,090,640, A>G. VCF-style: chrX-124090640-A-G. GRCh37 (hg19) VCF-style: chrX-123224490-A-G.
Other names: c.3343A>G, p.Met1115Val (NM_001042749.2, NM_001042751.2, NM_001282418.2 and 13 more transcripts); short protein forms M1115V.
Identifiers: ClinVar variation 1929829 (VCV001929829.5), dbSNP rs749184468, ClinGen allele CA10509149.

ClinVar aggregate classification (germline): Uncertain significance (1 of 4 stars; one submission).

Allele frequency attached by ClinVar (database versions not stated): gnomAD exomes 0.00001; ExAC 0.00002; gnomAD 0.00003; TOPMed 0.00004.

Submission:

Labcorp Genetics (formerly Invitae), Labcorp
Classification: Uncertain significance. Last evaluated: 2025-01-27. Review status: criteria provided, single submitter. Criteria: Invitae Variant Classification Sherloc (09022015). Collection method: clinical testing. Allele origin: germline.
Comment: This sequence change replaces methionine, which is neutral and non-polar, with valine, which is neutral and non-polar, at codon 1115 of the STAG2 protein (p.Met1115Val). This variant is present in population databases (rs749184468, gnomAD 0.02%). This variant has not been reported in the literature in individuals affected with STAG2-related conditions. ClinVar contains an entry for this variant (Variation ID: 1929829). An algorithm developed to predict the effect of missense changes on protein structure and function (PolyPhen-2) suggests that this variant is likely to be tolerated. In summary, the available evidence is currently insufficient to determine the role of this variant in disease. Therefore, it has been classified as a Variant of Uncertain Significance.